The following is an entry in ClinVar:

ClinVar aggregate classification (germline): Uncertain significance (1 of 4 stars; one submission).

Submission:

Labcorp Genetics (formerly Invitae), Labcorp
Classification: Uncertain significance. Last evaluated: 2024-02-22. Review status: criteria provided, single submitter. Criteria: Invitae Variant Classification Sherloc (09022015). Collection method: clinical testing. Allele origin: germline.
Comment: This sequence change replaces alanine, which is neutral and non-polar, with valine, which is neutral and non-polar, at codon 368 of the MYLK3 protein (p.Ala368Val). This variant is not present in population databases (gnomAD no frequency). This variant has not been reported in the literature in individuals affected with MYLK3-related conditions. Algorithms developed to predict the effect of missense changes on protein structure and function output the following: SIFT: "Not Available"; PolyPhen-2: "Benign"; Align-GVGD: "Not Available". The valine amino acid residue is found in multiple mammalian species, which suggests that this missense change does not adversely affect protein function. In summary, the available evidence is currently insufficient to determine the role of this variant in disease. Therefore, it has been classified as a Variant of Uncertain Significance.

NM_182493.3(MYLK3):c.1103C>T (p.Ala368Val)

Gene: MYLK3 (myosin light chain kinase 3; minus strand). Cytogenetic location: 16q11.2.
Variant type: single nucleotide variant.
Coding change: c.1103C>T on transcript NM_182493.3 (MANE Select); coding-DNA position 1103, C replaced by T.
Protein change: p.Ala368Val; replaces alanine 368 with valine.
Molecular consequence: missense variant.
Genome position (GRCh38, 1-based): chr16:46,732,567, G>A on the plus strand (C>T on the coding strand, the complement: MYLK3 is on the minus strand). VCF-style: chr16-46732567-G-A. GRCh37 (hg19) VCF-style: chr16-46766479-G-A.
Other names: c.80C>T, p.Ala27Val (NM_001308301.1); short protein forms A368V, A27V.
Identifiers: ClinVar variation 3701588 (VCV003701588.2).